The following is an entry in ClinVar:

NM_016122.3(CEP83):c.286G>T (p.Val96Leu)

Gene: CEP83 (centrosomal protein 83; minus strand). Cytogenetic location: 12q22.
Variant type: single nucleotide variant.
Coding change: c.286G>T on transcript NM_016122.3 (MANE Select); coding-DNA position 286, G replaced by T.
Protein change: p.Val96Leu; replaces valine 96 with leucine.
Molecular consequence: missense variant. On other transcripts: 5 prime UTR variant (6), non-coding transcript variant (3).
Genome position (GRCh38, 1-based): chr12:94,411,735, C>A on the plus strand (G>T on the coding strand, the complement: CEP83 is on the minus strand). VCF-style: chr12-94411735-C-A. GRCh37 (hg19) VCF-style: chr12-94805511-C-A.
Other names: c.286G>T, p.Val96Leu (NM_001042399.2, NM_001346457.2, NM_001346460.2 and 4 more transcripts); c.-27G>T (NM_001346458.2, NM_001346459.2, NM_001346462.2 and 3 more transcripts); short protein forms V96L.
Identifiers: ClinVar variation 1975922 (VCV001975922.5), dbSNP rs2063895678, ClinGen allele CA386143891.

ClinVar aggregate classification (germline): Uncertain significance (1 of 4 stars; one submission).

Conditions:
Nephronophthisis 18 (NPHP18). Identifiers: Orphanet 655, MedGen C3890591, MONDO:0014374, OMIM 615862.

Allele frequency attached by ClinVar (database versions not stated): gnomAD exomes below 0.00001.
gnomAD v4.1: 1 of 1,609,520 alleles (0.000062%); highest among the groups gnomAD compares: African/African-American, 0.0013%; no homozygotes.

Submission:

Labcorp Genetics (formerly Invitae), Labcorp
Classification: Uncertain significance for Nephronophthisis 18. Last evaluated: 2022-11-01. Review status: criteria provided, single submitter. Criteria: Invitae Variant Classification Sherloc (09022015). Collection method: clinical testing. Allele origin: germline.
Comment: In summary, the available evidence is currently insufficient to determine the role of this variant in disease. Therefore, it has been classified as a Variant of Uncertain Significance. Advanced modeling of protein sequence and biophysical properties (such as structural, functional, and spatial information, amino acid conservation, physicochemical variation, residue mobility, and thermodynamic stability) performed at Invitae indicates that this missense variant is not expected to disrupt CEP83 protein function. This variant has not been reported in the literature in individuals affected with CEP83-related conditions. This variant is not present in population databases (gnomAD no frequency). This sequence change replaces valine, which is neutral and non-polar, with leucine, which is neutral and non-polar, at codon 96 of the CEP83 protein (p.Val96Leu).